The following is an entry in ClinVar:

NM_203447.4(DOCK8):c.2608G>A (p.Ala870Thr)

Gene: DOCK8 (dedicator of cytokinesis 8; plus strand). Cytogenetic location: 9p24.3.
Variant type: single nucleotide variant.
Coding change: c.2608G>A on transcript NM_203447.4 (MANE Select); coding-DNA position 2608, G replaced by A.
Protein change: p.Ala870Thr; replaces alanine 870 with threonine.
Molecular consequence: missense variant.
Genome position (GRCh38, 1-based): chr9:382,515, G>A. VCF-style: chr9-382515-G-A. GRCh37 (hg19) VCF-style: chr9-382515-G-A.
Other names: c.2404G>A, p.Ala802Thr (NM_001190458.2, NM_001193536.2); c.2608G>A (NM_203447.3); short protein forms A802T, A870T.
Identifiers: ClinVar variation 1441335 (VCV001441335.7), dbSNP rs143495336, ClinGen allele CA187819875.

ClinVar aggregate classification (germline): Uncertain significance. Review status: criteria provided, multiple submitters, no conflicts (2 of 4 stars). 2 submissions from 2 submitters: Uncertain significance (2). Last evaluated 2023-03-06.

Conditions:
Inborn genetic diseases. Identifiers: MedGen C0950123, MeSH D030342.
Combined immunodeficiency due to DOCK8 deficiency (HIES2). Also called: HYPER-IgE SYNDROME 2, AUTOSOMAL RECESSIVE, WITH RECURRENT INFECTIONS; HIES autosomal recessive; DOCK8 Deficiency; HYPER-IgE RECURRENT INFECTION SYNDROME 2, AUTOSOMAL RECESSIVE; Hyper-IgE recurrent infection syndrome, autosomal recessive. Identifiers: Orphanet 217390, MedGen C4722305, MONDO:0009478, OMIM 243700.

Allele frequency attached by ClinVar (database versions not stated): gnomAD 0.00001; gnomAD exomes 0.00001; ESP Exome Variant Server 0.00008.

Submissions (2):

Ambry Genetics
Classification: Uncertain significance for Inborn genetic diseases. Last evaluated: 2023-03-06. Review status: criteria provided, single submitter. Criteria: Ambry Variant Classification Scheme 2023. Collection method: clinical testing. Allele origin: germline.

Labcorp Genetics (formerly Invitae), Labcorp
Classification: Uncertain significance for Combined immunodeficiency due to DOCK8 deficiency. Last evaluated: 2022-02-03. Review status: criteria provided, single submitter. Criteria: Invitae Variant Classification Sherloc (09022015). Collection method: clinical testing. Allele origin: germline.
Comment: This sequence change replaces alanine, which is neutral and non-polar, with threonine, which is neutral and polar, at codon 870 of the DOCK8 protein (p.Ala870Thr). This variant is present in population databases (rs143495336, gnomAD 0.006%). This variant has not been reported in the literature in individuals affected with DOCK8-related conditions. Algorithms developed to predict the effect of missense changes on protein structure and function output the following: SIFT: "Tolerated"; PolyPhen-2: "Benign"; Align-GVGD: "Class C0". The threonine amino acid residue is found in multiple mammalian species, which suggests that this missense change does not adversely affect protein function. In summary, the available evidence is currently insufficient to determine the role of this variant in disease. Therefore, it has been classified as a Variant of Uncertain Significance.